The following is an entry in ClinVar:

ClinVar aggregate classification (germline): Conflicting classifications of pathogenicity. Review status: criteria provided, conflicting classifications (1 of 4 stars). 2 submissions from 2 submitters: Uncertain significance (1); Likely benign (1). Last evaluated 2025-10-13.

Conditions:
Hereditary cancer-predisposing syndrome. Also called: Neoplastic Syndromes, Hereditary; Hereditary Cancer Syndrome; Tumor predisposition; Hereditary neoplastic syndrome. Identifiers: Orphanet 140162, MedGen C0027672, MeSH D009386, MONDO:0015356.
Familial meningioma. Also called: Meningioma, familial, susceptibility to. Identifiers: Orphanet 263662, MedGen C3551915, MONDO:0011789, OMIM 607174.

Allele frequency attached by ClinVar (database versions not stated): gnomAD exomes below 0.00001; ExAC 0.00001.
gnomAD v4.1: 2 of 1,610,634 alleles (0.00012%); highest among the groups gnomAD compares: Non-Finnish European, 0.00017%; no homozygotes.

Submissions (2):

Labcorp Genetics (formerly Invitae), Labcorp
Classification: Uncertain significance for Familial meningioma. Last evaluated: 2025-10-13. Review status: criteria provided, single submitter. Criteria: Invitae Variant Classification Sherloc (09022015). Collection method: clinical testing. Allele origin: germline.
Comment: This sequence change replaces asparagine, which is neutral and polar, with threonine, which is neutral and polar, at codon 44 of the SMARCE1 protein (p.Asn44Thr). This variant is present in population databases (rs761846539, gnomAD 0.0009%). This variant has not been reported in the literature in individuals affected with SMARCE1-related conditions. ClinVar contains an entry for this variant (Variation ID: 852641). Invitae Evidence Modeling of protein sequence and biophysical properties (such as structural, functional, and spatial information, amino acid conservation, physicochemical variation, residue mobility, and thermodynamic stability) indicates that this missense variant is not expected to disrupt SMARCE1 protein function with a negative predictive value of 80%. In summary, the available evidence is currently insufficient to determine the role of this variant in disease. Therefore, it has been classified as a Variant of Uncertain Significance.

Ambry Genetics
Classification: Likely benign for Hereditary cancer-predisposing syndrome. Last evaluated: 2023-12-28. Review status: criteria provided, single submitter. Criteria: Ambry Variant Classification Scheme 2023. Collection method: clinical testing. Allele origin: germline.

NM_003079.5(SMARCE1):c.131A>C (p.Asn44Thr)

Gene: SMARCE1 (SWI/SNF related BAF chromatin remodeling complex subunit E1; minus strand). Cytogenetic location: 17q21.2.
Variant type: single nucleotide variant.
Coding change: c.131A>C on transcript NM_003079.5 (MANE Select); coding-DNA position 131, A replaced by C.
Protein change: p.Asn44Thr; replaces asparagine 44 with threonine.
Molecular consequence: missense variant.
Genome position (GRCh38, 1-based): chr17:40,642,480, T>G on the plus strand (A>C on the coding strand, the complement: SMARCE1 is on the minus strand). VCF-style: chr17-40642480-T-G. GRCh37 (hg19) VCF-style: chr17-38798732-T-G.
Other names: short protein forms N44T.
Identifiers: ClinVar variation 852641 (VCV000852641.12), dbSNP rs761846539, ClinGen allele CA8545321.